The following is an entry in ClinVar:

NM_025074.7(FRAS1):c.1893T>C (p.Ala631=)

Gene: FRAS1 (Fraser extracellular matrix complex subunit 1; plus strand). Cytogenetic location: 4q21.21.
Variant type: single nucleotide variant.
Coding change: c.1893T>C on transcript NM_025074.7 (MANE Select); coding-DNA position 1893, T replaced by C.
Protein change: p.Ala631=; no amino-acid change (alanine 631 retained).
Molecular consequence: synonymous variant.
Genome position (GRCh38, 1-based): chr4:78,317,441, T>C. VCF-style: chr4-78317441-T-C. GRCh37 (hg19) VCF-style: chr4-79238595-T-C.
Other names: c.1893T>C, p.Ala631= (NM_001166133.2); c.1893T>C (NM_025074.6).
Identifiers: ClinVar variation 2718624 (VCV002718624.5), dbSNP rs755074299, ClinGen allele CA2976478.
Genomic context (GRCh38, chr4:78,317,441, plus strand): 5'-ATGTGCCAGCTGCTCTGGGCCCACACCCTCTCACTGTACAGCCTGCAGCCCCCCCAAGGC[T>C]CTGCGTCAAGGCCACTGTCTGCCCCGCTGTGGAGAGGGTTTCTACTCTGACCATGGAGTC-3'
Protein context (NP_079350.5, residues 621-641): SHCTACSPPK[Ala631=]LRQGHCLPRC

ClinVar aggregate classification (germline): Likely benign. Review status: criteria provided, single submitter (1 of 4 stars). 2 submissions from 2 submitters: Likely benign (1). 1 of the submissions does not count toward it. Last evaluated 2024-06-07.

Conditions:
FRAS1-related disorder. Also called: FRAS1-related condition.

Allele frequency attached by ClinVar (database versions not stated): gnomAD exomes 0.00001; ExAC 0.00002.
gnomAD v4.1: 14 of 1,613,900 alleles (0.00087%); highest among the groups gnomAD compares: Middle Eastern, 0.016%; no homozygotes.

Submissions (2):

Labcorp Genetics (formerly Invitae), Labcorp
Classification: Likely benign. Last evaluated: 2024-06-07. Review status: criteria provided, single submitter. Criteria: Invitae Variant Classification Sherloc (09022015). Collection method: clinical testing. Allele origin: germline.

PreventionGenetics, part of Exact Sciences
Classification: Likely benign for FRAS1-related condition. Last evaluated: 2024-04-26. Review status: no assertion criteria provided. Collection method: clinical testing. Allele origin: germline. Not counted in ClinVar's aggregate classification.
Comment: This variant is classified as likely benign based on ACMG/AMP sequence variant interpretation guidelines (Richards et al. 2015 PMID: 25741868, with internal and published modifications).